The following is an entry in ClinVar:

ClinVar aggregate classification (germline): Pathogenic (1 of 4 stars; one submission).

Submission:

CeGaT Center for Human Genetics Tuebingen
Classification: Pathogenic. Last evaluated: 2026-05-01. Review status: criteria provided, single submitter. Criteria: CeGaT Center For Human Genetics Tuebingen Variant Classification Criteria Version 2. Collection method: clinical testing. Allele origin: germline. Affected: yes. Observed: 1 variant allele.
Comment: KRIT1: PVS1, PM2

NM_194454.3(KRIT1):c.1537del (p.Arg513fs)

Gene: KRIT1 (KRIT1 ankyrin repeat containing; minus strand). Cytogenetic location: 7q21.2.
Variant type: Deletion.
Coding change: c.1537del on transcript NM_194454.3 (MANE Select); coding-DNA position 1537, one base deleted (A; older notation c.1537delA).
Protein change: p.Arg513fs; shifts the reading frame from arginine 513.
Molecular consequence: frameshift variant.
Genome position (GRCh38, 1-based): chr7:92,221,928, T deleted on the plus strand (A on the coding strand, the reverse complement: KRIT1 is on the minus strand). VCF-style (leftmost placement, unchanged base first): chr7-92221927-CT-C. GRCh37 (hg19) VCF-style: chr7-91851241-CT-C.
Other names: c.1393del, p.Arg465fs (NM_001013406.2, NM_001350669.1, NM_001350670.1); c.823del, p.Arg275fs (NM_001350671.1); c.1537del, p.Arg513fs (NM_001350672.1, NM_001350673.1, NM_001350674.1 and 26 more transcripts); short protein forms R275fs, R465fs, R513fs.
Identifiers: ClinVar variation 4874860 (VCV004874860.2).
Genomic context (GRCh38, chr7:92,221,927, plus strand): 5'-ATTTAAATAACTGTAAATAAGATTTCCAAGCAAACCTGTTTTTCAACTTCCAAGGGAAGT[CT>C]CACATCTCTTCTTAGAAAAAGCTGAGGTGTTTCCCTTTGAGGATCCAGATTAGTCAATTC-3'